The following is an entry in ClinVar:

ClinVar aggregate classification (germline): Pathogenic (1 of 4 stars; one submission).

Conditions:
Ataxia-telangiectasia syndrome (AT). Also called: LOUIS-BAR SYNDROME; Cerebello-oculocutaneous telangiectasia; Immunodeficiency with ataxia telangiectasia; Ataxia-telangiectasia, complementation group D; AT, COMPLEMENTATION GROUP C; Ataxia-telangiectasia, complementation group E. Identifiers: Orphanet 100, MedGen C0004135, MONDO:0008840, OMIM 208900.

Submission:

Labcorp Genetics (formerly Invitae), Labcorp
Classification: Pathogenic for Ataxia-telangiectasia syndrome. Last evaluated: 2017-05-12. Review status: criteria provided, single submitter. Criteria: Invitae Variant Classification Sherloc (09022015). Collection method: clinical testing. Allele origin: germline.
Comment: For these reasons, this variant has been classified as Pathogenic. While this particular variant has not been reported in the literature, loss-of-function variants in ATM are known to be pathogenic (PMID: 25614872, 23807571). This sequence change deletes 2 nucleotides from exon 46 of the ATM mRNA (c.6729_6730delAA), causing a frameshift at codon 2245. This creates a premature translational stop signal (p.Glu2245Metfs*3) and is expected to result in an absent or disrupted protein product.

Literature cited by the submitters: PubMed 25614872; PubMed 23807571.

NM_000051.4(ATM):c.6729_6730del (p.Glu2245fs)

Genes: C11orf65 (chromosome 11 open reading frame 65; minus strand), ATM (ATM serine/threonine kinase; plus strand). Cytogenetic location: 11q22.3.
Variant type: Deletion.
Coding change: c.6729_6730del on transcript NM_000051.4 (MANE Select); coding-DNA positions 6729 to 6730, 2 bases deleted (AA; older notation c.6729_6730delAA).
Protein change: p.Glu2245fs; shifts the reading frame from glutamic acid 2245.
Molecular consequence: frameshift variant. On other transcripts: intron variant (2).
Genome position (GRCh38, 1-based): chr11:108,325,466-108,325,467, AA deleted; deleting any 2 consecutive bases within chr11:108,325,465-108,325,467 gives the same sequence; the c. name uses the placement nearest the transcript's 3' end. VCF-style (leftmost placement, unchanged base first): chr11-108325464-CAA-C. GRCh37 (hg19) VCF-style: chr11-108196191-CAA-C.
Other names: c.6729_6730del, p.Glu2245fs (NM_001351834.2); c.641-16395_641-16394del (NM_001330368.2); c.*38+9754_*38+9755del (NM_001351110.2); short protein forms E2245fs.
Identifiers: ClinVar variation 407472 (VCV000407472.8), dbSNP rs1060501543, ClinGen allele CA16613193.